The following is an entry in ClinVar:

NM_170707.4(LMNA):c.378C>T (p.Asp126=)

Genes: LMNA (lamin A/C; plus strand), LOC126805877 (MED14-independent group 3 enhancer GRCh37_chr1:156099693-156100892; plus strand). Cytogenetic location: 1q22.
Variant type: single nucleotide variant.
Coding change: c.378C>T on transcript NM_170707.4 (MANE Select); coding-DNA position 378, C replaced by T.
Protein change: p.Asp126=; no amino-acid change (aspartic acid 126 retained).
Molecular consequence: synonymous variant. On other transcripts: 5 prime UTR variant (7), intron variant (4).
Genome position (GRCh38, 1-based): chr1:156,130,638, C>T. VCF-style: chr1-156130638-C-T. GRCh37 (hg19) VCF-style: chr1-156100429-C-T.
Other names: c.42C>T, p.Asp14= (NM_001257374.3, NM_001406989.1, NM_001406998.1); c.135C>T, p.Asp45= (NM_001282624.2, NM_001406986.1, NM_001406987.1); c.378C>T, p.Asp126= (NM_001282625.2, NM_001282626.2, NM_001406983.1 and 6 more transcripts); c.81C>T, p.Asp27= (NM_001406988.1); c.-181C>T (NM_001406993.1, NM_001406996.1, NM_001406997.1 and 1 more transcripts); c.-287C>T (NM_001406994.1, NM_001406999.1, NM_001407000.1); c.-45-3765C>T (NM_001407002.1, NM_001406995.1, NM_001406990.1); c.-151-3765C>T (NM_001407001.1).
Identifiers: ClinVar variation 2095000 (VCV002095000.5), dbSNP rs869025456, ClinGen allele CA421068212.
Genomic context (GRCh38, chr1:156,130,638, plus strand): 5'-ACTCCTTCTCTTAAATCTACTCTCCCCTCTCTTCTTTAGCAATACCAAGAAGGAGGGTGA[C>T]CTGATAGCTGCTCAGGCTCGGCTGAAGGACCTGGAGGCTCTGCTGAACTCCAAGGAGGCC-3'
Protein context (NP_733821.1, residues 116-136): LKARNTKKEG[Asp126=]LIAAQARLKD

ClinVar aggregate classification (germline): Likely benign. Review status: criteria provided, multiple submitters, no conflicts (2 of 4 stars). 2 submissions from 2 submitters: Likely benign (2). Last evaluated 2026-09-01.

Conditions:
Charcot-Marie-Tooth disease type 2. Also called: Charcot-Marie-Tooth type 2. Identifiers: Orphanet 64746, MedGen C0270914, MONDO:0018993.

Allele frequency attached by ClinVar (database versions not stated): gnomAD exomes below 0.00001.
gnomAD v4.1: 1 of 1,614,068 alleles (0.000062%); highest among the groups gnomAD compares: East Asian, 0.0022%; no homozygotes.

Submissions (2):

CeGaT Center for Human Genetics Tuebingen
Classification: Likely benign. Last evaluated: 2026-09-01. Review status: criteria provided, single submitter. Criteria: CeGaT Center For Human Genetics Tuebingen Variant Classification Criteria Version 2. Collection method: clinical testing. Allele origin: germline. Affected: yes. Observed: 1 variant allele.
Comment: LMNA: BP4, BP7

Labcorp Genetics (formerly Invitae), Labcorp
Classification: Likely benign for Charcot-Marie-Tooth disease type 2. Last evaluated: 2022-03-04. Review status: criteria provided, single submitter. Criteria: Invitae Variant Classification Sherloc (09022015). Collection method: clinical testing. Allele origin: germline.